The following is an entry in ClinVar:

ClinVar aggregate classification (germline): Benign/Likely benign. Review status: criteria provided, multiple submitters, no conflicts (2 of 4 stars). 9 submissions from 9 submitters: Benign (6); Likely benign (2). 1 of the submissions does not count toward it. Last evaluated 2026-05-09.

Conditions:
Iodotyrosyl coupling defect (TDH3). Also called: THYROID HORMONOGENESIS, GENETIC DEFECT IN, 3; HYPOTHYROIDISM, CONGENITAL, DUE TO DYSHORMONOGENESIS, 3. Identifiers: Orphanet 95716, MedGen C0342194, MONDO:0010135, OMIM 274700.
Autoimmune thyroid disease, susceptibility to, 3. Identifiers: MedGen C1842444, MONDO:0011982, OMIM 608175.

Allele frequency attached by ClinVar (database versions not stated): gnomAD exomes 0.31358 and 0.33263; ExAC 0.32262; 1000 Genomes Project 0.33247; 1000 Genomes Project 30x 0.33916; gnomAD 0.36874 and 0.37641; TOPMed 0.37005.
gnomAD v4.1: 541,523 of 1,610,356 alleles (34%); highest among the groups gnomAD compares: African/African-American, 50%; 93,906 homozygotes.

Submissions (9):

Women's Health and Genetics/Laboratory Corporation of America, LabCorp
Classification: Likely benign. Last evaluated: 2026-05-09. Review status: criteria provided, single submitter. Criteria: LabCorp Variant Classification Summary - May 2015. Collection method: clinical testing. Allele origin: germline.

Labcorp Genetics (formerly Invitae), Labcorp
Classification: Benign. Last evaluated: 2026-02-04. Review status: criteria provided, single submitter. Criteria: Invitae Variant Classification Sherloc (09022015). Collection method: clinical testing. Allele origin: germline.

Blueprint Genetics
Classification: Likely benign. Last evaluated: 2024-11-27. Review status: criteria provided, single submitter. Criteria: ACMG Guidelines, 2015. Collection method: clinical testing. Allele origin: germline.

Genome-Nilou Lab
Classification: Benign for Iodotyrosyl coupling defect. Last evaluated: 2021-09-10. Review status: criteria provided, single submitter. Criteria: ACMG Guidelines, 2015. Collection method: clinical testing. Allele origin: germline. Affected: no.

GeneDx
Classification: Benign. Last evaluated: 2019-04-29. Review status: criteria provided, single submitter. Criteria: GeneDx Variant Classification Process June 2021. Collection method: clinical testing. Allele origin: germline. Affected: yes.
Comment: This variant is associated with the following publications: (PMID: 14657345)

Illumina Laboratory Services, Illumina
Classification: Benign for Iodotyrosyl coupling defect. Last evaluated: 2018-03-06. Review status: criteria provided, single submitter. Criteria: ICSL Variant Classification Criteria 13 December 2019. Collection method: clinical testing. Allele origin: germline.
Comment: This variant was observed in the ICSL laboratory as part of a predisposition screen in an ostensibly healthy population. It had not been previously curated by ICSL or reported in the Human Gene Mutation Database (HGMD: prior to June 1st, 2018), and was therefore a candidate for classification through an automated scoring system. Utilizing variant allele frequency, disease prevalence and penetrance estimates, and inheritance mode, an automated score was calculated to assess if this variant is too frequent to cause the disease. Based on the score and internal cut-off values, a variant classified as benign is not then subjected to further curation. The score for this variant resulted in a classification of benign for this disease.

Breakthrough Genomics
Classification: Benign. Review status: criteria provided, single submitter. Criteria: ACMG Guidelines, 2015. Collection method: not provided. Allele origin: germline. Inheritance: Autosomal recessive inheritance. Affected: yes.

PreventionGenetics, part of Exact Sciences
Classification: Benign. Review status: criteria provided, single submitter. Criteria: ACMG Guidelines, 2015. Collection method: clinical testing. Allele origin: germline.

OMIM
Classification: risk factor for AUTOIMMUNE THYROID DISEASE, SUSCEPTIBILITY TO, 3. Last evaluated: 2004-12-01. Review status: no assertion criteria provided. Collection method: literature only. Allele origin: germline. Not counted in ClinVar's aggregate classification.

Literature cited by the submitters: PubMed 14657345 (cited by OMIM); PubMed 15579800 (cited by OMIM).

NM_003235.5(TG):c.5995C>T (p.Arg1999Trp)

Gene: TG (thyroglobulin; plus strand). Cytogenetic location: 8q24.22.
Variant type: single nucleotide variant.
Coding change: c.5995C>T on transcript NM_003235.5 (MANE Select); coding-DNA position 5995, C replaced by T.
Protein change: p.Arg1999Trp; replaces arginine 1999 with tryptophan.
Molecular consequence: missense variant.
Genome position (GRCh38, 1-based): chr8:132,971,813, C>T. VCF-style: chr8-132971813-C-T. GRCh37 (hg19) VCF-style: chr8-133984058-C-T.
Other names: R1980W; short protein forms R1999W.
Identifiers: ClinVar variation 12696 (VCV000012696.16), dbSNP rs2076740, ClinGen allele CA122634.